The following is an entry in ClinVar:

NM_019098.5(CNGB3):c.2138_2158dup (p.Lys719_Gln720insArgLysGluAsnGluAspLys)

Gene: CNGB3 (cyclic nucleotide gated channel subunit beta 3; minus strand). Cytogenetic location: 8q21.3.
Variant type: Duplication.
Coding change: c.2138_2158dup on transcript NM_019098.5 (MANE Select); coding-DNA positions 2138 to 2158, 21 bases duplicated (GAAAAGAAAATGAAGATAAAC).
Protein change: p.Lys719_Gln720insArgLysGluAsnGluAspLys.
Molecular consequence: inframe insertion.
Genome position (GRCh38, 1-based): chr8:86,576,076-86,576,096, GTTTATCTTCATTTTCTTTTC duplicated on the plus strand (GAAAAGAAAATGAAGATAAAC on the coding strand, the reverse complement: CNGB3 is on the minus strand). VCF-style (leftmost placement, unchanged base first): chr8-86576075-T-TGTTTATCTTCATTTTCTTTTC. GRCh37 (hg19) VCF-style: chr8-87588303-T-TGTTTATCTTCATTTTCTTTTC.
Identifiers: ClinVar variation 5003822 (VCV005003822.1).

ClinVar aggregate classification (germline): Uncertain significance (1 of 4 stars; one submission).

Conditions:
Achromatopsia 3 (ACHM3). Also called: PINGELAPESE BLINDNESS; TOTAL COLORBLINDNESS WITH MYOPIA; ROD MONOCHROMACY 1; ROD MONOCHROMATISM 1; ACHROMATOPSIA WITH MYOPIA. Identifiers: Orphanet 49382, MedGen C1849792, MONDO:0009875, OMIM 262300.

Submission:

Myriad Genetics, Inc.
Classification: Uncertain significance for Achromatopsia 3. Last evaluated: 2026-09-02. Review status: criteria provided, single submitter. Criteria: Myriad Autosomal Dominant, Autosomal Recessive and X-Linked Classification Criteria (2023). Collection method: clinical testing. Allele origin: unknown.
Comment: NM_019098.4(CNGB3):c.2138_2158dup21(K719_Q720insRKENEDK) is an in-frame insertion classified as a variant of uncertain significance in the context of achromatopsia, CNGB3-related. K719_Q720insRKENEDK has not been observed in cases with relevant disease. Relevant functional assessments of this variant are not available in the literature. K719_Q720insRKENEDK has not been observed in referenced population frequency databases. In summary, there is insufficient evidence to classify NM_019098.4(CNGB3):c.2138_2158dup21(K719_Q720insRKENEDK) as pathogenic or benign. Please note: this variant was assessed in the context of healthy population screening.